The following is an entry in ClinVar:

NM_001330078.2(NRXN1):c.4447G>T (p.Val1483Leu)

Gene: NRXN1 (neurexin 1; minus strand). Cytogenetic location: 2p16.3.
Variant type: single nucleotide variant.
Coding change: c.4447G>T on transcript NM_001330078.2 (MANE Select); coding-DNA position 4447, G replaced by T.
Protein change: p.Val1483Leu; replaces valine 1483 with leucine.
Molecular consequence: missense variant.
Genome position (GRCh38, 1-based): chr2:49,922,021, C>A on the plus strand (G>T on the coding strand, the complement: NRXN1 is on the minus strand). VCF-style: chr2-49922021-C-A. GRCh37 (hg19) VCF-style: chr2-50149159-C-A.
Other names: c.1333G>T, p.Val445Leu (NM_001330091.2); c.1342G>T, p.Val448Leu (NM_001330092.2); c.4444G>T, p.Val1482Leu (NM_001330093.2); c.4426G>T, p.Val1476Leu (NM_001330094.2); c.4306G>T, p.Val1436Leu (NM_001330095.2); c.4237G>T, p.Val1413Leu (NM_001330096.2); c.1243G>T, p.Val415Leu (NM_001330097.2); c.4357G>T, p.Val1453Leu (NM_004801.6); and 12 more; short protein forms V1480L, V445L, V1416L, V1423L, V1428L, V1436L, V1483L, V1482L.
Identifiers: ClinVar variation 4692208 (VCV004692208.1).

ClinVar aggregate classification (germline): Uncertain significance (1 of 4 stars; one submission).

Conditions:
Pitt-Hopkins-like syndrome 2 (PTHSL2). Identifiers: Orphanet 221150, Orphanet 600663, MedGen C3280479, MONDO:0013690, OMIM 614325.

Submission:

Labcorp Genetics (formerly Invitae), Labcorp
Classification: Uncertain significance for Pitt-Hopkins-like syndrome 2. Last evaluated: 2025-10-29. Review status: criteria provided, single submitter. Criteria: Invitae Variant Classification Sherloc (09022015). Collection method: clinical testing. Allele origin: germline.
Comment: This sequence change replaces valine, which is neutral and non-polar, with leucine, which is neutral and non-polar, at codon 1523 of the NRXN1 protein (p.Val1523Leu). This variant is not present in population databases (gnomAD no frequency). This variant has not been reported in the literature in individuals affected with NRXN1-related conditions. Invitae Evidence Modeling of protein sequence and biophysical properties (such as structural, functional, and spatial information, amino acid conservation, physicochemical variation, residue mobility, and thermodynamic stability) indicates that this missense variant is not expected to disrupt NRXN1 protein function with a negative predictive value of 80%. In summary, the available evidence is currently insufficient to determine the role of this variant in disease. Therefore, it has been classified as a Variant of Uncertain Significance.